The following is an entry in ClinVar:

ClinVar aggregate classification (germline): Uncertain significance (1 of 4 stars; one submission).

Conditions:
Joubert syndrome. Also called: Familial aplasia of the vermis; CEREBELLOPARENCHYMAL DISORDER IV; JOUBERT-BOLTSHAUSER SYNDROME. Identifiers: Orphanet 475, MedGen C5979921, MONDO:0018772.
Meckel-Gruber syndrome. Also called: Dysencephalia splachnocystica; DYSENCEPHALIA SPLANCHNOCYSTICA; GRUBER SYNDROME. Identifiers: Orphanet 564, MedGen C0265215, MONDO:0018921.

Submission:

Labcorp Genetics (formerly Invitae), Labcorp
Classification: Uncertain significance for Joubert syndrome; Meckel-Gruber syndrome. Last evaluated: 2023-07-07. Review status: criteria provided, single submitter. Criteria: Invitae Variant Classification Sherloc (09022015). Collection method: clinical testing. Allele origin: germline.
Comment: This sequence change replaces tyrosine, which is neutral and polar, with histidine, which is basic and polar, at codon 134 of the MKS1 protein (p.Tyr134His). This variant is not present in population databases (gnomAD no frequency). This variant has not been reported in the literature in individuals affected with MKS1-related conditions. ClinVar contains an entry for this variant (Variation ID: 1055410). Advanced modeling of protein sequence and biophysical properties (such as structural, functional, and spatial information, amino acid conservation, physicochemical variation, residue mobility, and thermodynamic stability) performed at Invitae indicates that this missense variant is not expected to disrupt MKS1 protein function. In summary, the available evidence is currently insufficient to determine the role of this variant in disease. Therefore, it has been classified as a Variant of Uncertain Significance.

NM_017777.4(MKS1):c.400T>C (p.Tyr134His)

Gene: MKS1 (MKS transition zone complex subunit 1; minus strand). Cytogenetic location: 17q22.
Variant type: single nucleotide variant.
Coding change: c.400T>C on transcript NM_017777.4 (MANE Select); coding-DNA position 400, T replaced by C.
Protein change: p.Tyr134His; replaces tyrosine 134 with histidine.
Molecular consequence: missense variant. On other transcripts: 5 prime UTR variant (1).
Genome position (GRCh38, 1-based): chr17:58,216,105, A>G on the plus strand (T>C on the coding strand, the complement: MKS1 is on the minus strand). VCF-style: chr17-58216105-A-G. GRCh37 (hg19) VCF-style: chr17-56293466-A-G.
Other names: c.-112T>C (NM_001321268.2); c.400T>C, p.Tyr134His (NM_001321269.2, NM_001330397.2); short protein forms Y134H.
Identifiers: ClinVar variation 1055410 (VCV001055410.9), dbSNP rs1969185710, ClinGen allele CA400327364.
Genomic context (GRCh38, chr17:58,216,105, plus strand): 5'-GGAAGCAAAGATGGAAGCTATGAGACCCTAGAAAGAACAATACCTCCTCCAAATTGGTGT[A>G]TCTATCAGAGTCAGTGTAGGTAAAGATTCGTCGGTTTTTCTTGCCACCCGAATTCTCCAG-3'
Protein context (NP_060247.2, residues 124-144): RIFTYTDSDR[Tyr134His]TNLEEHCQRM